The following is an entry in ClinVar:

NM_000284.4(PDHA1):c.1132C>T (p.Arg378Cys)

Gene: PDHA1 (pyruvate dehydrogenase E1 subunit alpha 1; plus strand). Cytogenetic location: Xp22.12.
Variant type: single nucleotide variant.
Coding change: c.1132C>T on transcript NM_000284.4 (MANE Select); coding-DNA position 1132, C replaced by T.
Protein change: p.Arg378Cys; replaces arginine 378 with cysteine.
Molecular consequence: missense variant.
Genome position (GRCh38, 1-based): chrX:19,359,612, C>T. VCF-style: chrX-19359612-C-T. GRCh37 (hg19) VCF-style: chrX-19377730-C-T.
Other names: p.R378C:CGT>TGT; NM_000284.3(PDHA1):c.1132C>T; p.Arg378Cys; c.1246C>T, p.Arg416Cys (NM_001173454.2); c.1153C>T, p.Arg385Cys (NM_001173455.2); c.1039C>T, p.Arg347Cys (NM_001173456.2); short protein forms R378C, R347C, R385C, R416C.
Identifiers: ClinVar variation 214936 (VCV000214936.28), dbSNP rs863224147, ClinGen allele CA323094.

ClinVar aggregate classification (germline): Pathogenic. Review status: reviewed by expert panel (3 of 4 stars). 11 submissions from 11 submitters: Pathogenic (1). 10 of the submissions do not count toward it. Last evaluated 2021-10-25.

Conditions:
PDHA1-related disorder. Also called: PDHA1-related condition.
Pyruvate dehydrogenase complex deficiency (PDHC). Also called: PDH DEFICIENCY; PYRUVATE DECARBOXYLASE DEFICIENCY; Pyruvate Dehydrogenase Complex Deficiency Disease; Pyruvate dehydrogenase deficiency; Ataxia with lactic acidosis 1. Identifiers: Orphanet 765, Orphanet 79243, MedGen C0034345, MONDO:0019169.
Pyruvate dehydrogenase E1-alpha deficiency (PDHAD). Also called: Ataxia, intermittent, with pyruvate dehydrogenase, or decarboxylase, deficiency; ATAXIA, INTERMITTENT, WITH PYRUVATE DEHYDROGENASE DEFICIENCY; ATAXIA WITH LACTIC ACIDOSIS I; ATAXIA, INTERMITTENT, WITH ABNORMAL PYRUVATE METABOLISM. Identifiers: Orphanet 79243, MedGen C1839413, MONDO:0010717, OMIM 312170.
SUDDEN INFANT DEATH SYNDROME (SIDS). Also called: Sudden Infant Death. Identifiers: MedGen C0038644, MeSH D013398, OMIM 272120.

Submissions (11):

ClinGen Mitochondrial Disease Nuclear and Mitochondrial  Variant Curation Expert Panel, ClinGen
Classification: Pathogenic for Pyruvate dehydrogenase complex deficiency. Last evaluated: 2021-10-25. Review status: reviewed by expert panel. Criteria: clingen mito disease acmg specifications v1-1. Collection method: curation. Allele origin: germline. Inheritance: X-linked inheritance.
Comment: The c.1132C>T (p.R378C) variant in PDHA1 has been reported in multiples males and females with pyruvate dehydrogenase deficiency and is one of the more common pathogenic variants seen in this cohort (PMID: 22896851). It has been seen in at least three individuals with decreased pyruvate dehydrogenase activity (PP4; Patient 6 in PMID: 8962591; Subject M-7 in PMID: 20002461; Subject 35-2 in PMID: 10679936). This variant has been identified as a de novo occurrence (unconfirmed parental relationships) in at least 4 unrelated individuals with pyruvate dehydrogenase deficiency [PM6_Strong; utilized ClinGen SVI de novo scoring guidance (phenotype consistent but not highly specific); PMID: 10679936, subject 35-2; PMID: 20002461, subject M-7; PMID: 21914562, subject AM8; PMID: 21914562, subject AF22]. Of note, to our knowledge, there are no reports of this variant being inherited from a healthy mother, however it is important to note that not all cases reported in the literature had mothers who were tested. This variant is absent from gnomAD v2.1.1 (PM2). Another missense variant at this position [c.1133G>A, p.R378H] has been reported in at least six other probands (PM5; PMIDs: 8032855 - 1 case, 7887409 - 2 cases, 9409363 - 3 cases) and is a known pathogenic variant. The computational predictor REVEL gives a score of 0.907, which is above the threshold of 0.75, evidence that correlates with impact to PDHA1 function (PP3). In summary, this variant meets criteria to be classified as pathogenic for pyruvate dehydrogenase deficiency inherited in an X-linked manner. This classification was approved by the NICHD U24 Mitochondrial Disease Variant Curation Expert Panel on May 20, 2020. PDHA1-specific ACMG/AMP criteria applied: PM2, PM5, PM6_strong, PP3, PP4.

3billion
Classification: Pathogenic for Pyruvate dehydrogenase E1-alpha deficiency. Last evaluated: 2025-09-18. Review status: criteria provided, single submitter. Criteria: ACMG Guidelines, 2015. Collection method: clinical testing. Allele origin: germline. Affected: yes. Not counted in ClinVar's aggregate classification.
Comment: The variant is not observed in the gnomAD v4.1.0 dataset. Predicted Consequence/Location: Missense variant In silico tool predictions suggest damaging effect of the variant on gene or gene product [REVEL: 0.91 (>=0.6, sensitivity 0.68 and specificity 0.92); 3Cnet: 0.87 (> 0.75, sensitivity 0.96 and precision 0.92)]. The same nucleotide change resulting in the same amino acid change has been previously reported as pathogenic/likely pathogenic with strong evidence (ClinVar ID: VCV000214936 /PMID: 8962591 /3billion dataset). The variant has been previously reported as assumed (i.e. paternity and maternity not confirmed) de novo in at least one similarly affected unrelated individual (PMID: 21914562). A different missense change at the same codon (p.Arg378His) has been reported as pathogenic/likely pathogenic with strong evidence (ClinVar ID: VCV000010873 /PMID: 1909401). Therefore, this variant is classified as Pathogenic according to the recommendation of ACMG/AMP guideline.

Blueprint Genetics
Classification: Pathogenic for PDHA1-related disorders. Last evaluated: 2024-08-13. Review status: criteria provided, single submitter. Criteria: ACMG Guidelines, 2015. Collection method: clinical testing. Allele origin: germline. Affected: yes. Observed: 1 variant allele. Not counted in ClinVar's aggregate classification.

GeneDx
Classification: Pathogenic. Last evaluated: 2023-09-24. Review status: criteria provided, single submitter. Criteria: GeneDx Variant Classification Process June 2021. Collection method: clinical testing. Allele origin: germline. Affected: yes. Not counted in ClinVar's aggregate classification.
Comment: Not observed at significant frequency in large population cohorts (gnomAD); In silico analysis supports that this missense variant has a deleterious effect on protein structure/function; This variant is associated with the following publications: (PMID: 20002461, 10679936, 28639102, 27629047, 31665838, 8962591, 32005694, 33092611, 33914258, 32445240, 34052969, 35027292, 35094435, 36675121, 33588022)

Labcorp Genetics (formerly Invitae), Labcorp
Classification: Pathogenic for Pyruvate dehydrogenase E1-alpha deficiency. Last evaluated: 2022-09-27. Review status: criteria provided, single submitter. Criteria: Invitae Variant Classification Sherloc (09022015). Collection method: clinical testing. Allele origin: germline. Not counted in ClinVar's aggregate classification.
Comment: For these reasons, this variant has been classified as Pathogenic. Advanced modeling of protein sequence and biophysical properties (such as structural, functional, and spatial information, amino acid conservation, physicochemical variation, residue mobility, and thermodynamic stability) has been performed at Invitae for this missense variant, however the output from this modeling did not meet the statistical confidence thresholds required to predict the impact of this variant on PDHA1 protein function. ClinVar contains an entry for this variant (Variation ID: 214936). This missense change has been observed in individual(s) with pyruvate dehydrogenase lipoic acid synthetase deficiency (PMID: 8962591, 20002125, 20002461, 24718837, 28639102). In at least one individual the variant was observed to be de novo. This variant is not present in population databases (gnomAD no frequency). This sequence change replaces arginine, which is basic and polar, with cysteine, which is neutral and slightly polar, at codon 378 of the PDHA1 protein (p.Arg378Cys).

Robert's Program, Boston Children's Hospital
Classification: Pathogenic for SUDDEN INFANT DEATH SYNDROME. Last evaluated: 2021-10-01. Review status: criteria provided, single submitter. Criteria: ACMG Guidelines, 2015. Collection method: research. Allele origin: germline. Affected: yes. Not counted in ClinVar's aggregate classification.
Comment: We classify this variant as pathogenic using the following ACMG/AMP criteria: PS3, PM2, PP1, PP2, PP5

Revvity Omics, Revvity
Classification: Pathogenic for Pyruvate dehydrogenase E1-alpha deficiency. Last evaluated: 2021-01-29. Review status: criteria provided, single submitter. Criteria: ACMG Guidelines, 2015. Collection method: clinical testing. Allele origin: germline. Not counted in ClinVar's aggregate classification.

Institute of Human Genetics, University of Leipzig Medical Center
Classification: Pathogenic for Pyruvate dehydrogenase E1-alpha deficiency. Last evaluated: 2018-12-20. Review status: criteria provided, single submitter. Criteria: ACMG Guidelines, 2015. Collection method: clinical testing. Allele origin: germline. Affected: yes. Observed: 1 variant allele. Not counted in ClinVar's aggregate classification.

Center of Genomic medicine, Geneva, University Hospital of Geneva
Classification: Pathogenic for Pyruvate dehydrogenase E1-alpha deficiency. Last evaluated: 2017-06-07. Review status: criteria provided, single submitter. Criteria: ACMG Guidelines, 2015. Collection method: clinical testing. Allele origin: de novo. Affected: yes. Not counted in ClinVar's aggregate classification.

Juno Genomics, Hangzhou Juno Genomics, Inc
Classification: Pathogenic for Pyruvate dehydrogenase E1-alpha deficiency. Review status: criteria provided, single submitter. Criteria: ACMG Guidelines, 2015. Collection method: clinical testing. Allele origin: germline. Affected: yes. Not counted in ClinVar's aggregate classification.
Comment: Well-established in vitro or in vivo functional studies supportive of a damaging effect on the gene or gene product.;The prevalence of the variant in affected individuals is significantly increased compared to the prevalence in controls.;Absent from controls (or at extremely low frequency if recessive) in Genome Aggregation Database, Exome Sequencing Project, 1000 Genomes Project, or Exome Aggregation Consortium.;Assumed de novo, but without confirmation of paternity and maternity.;Multiple lines of computational evidence support a deleterious effect on the gene or gene product (conservation, evolutionary, splicing impact, etc).

PDHA1 Study Group, University Children’s Hospital, Paracelsus Medical University
Classification: Pathogenic for Pyruvate dehydrogenase E1-alpha deficiency. Last evaluated: 2024-10-15. Review status: no assertion criteria provided. Collection method: research. Allele origin: de novo. Affected: yes. Observed: 30 variant alleles. Not counted in ClinVar's aggregate classification.
Comment: The NM_000284.3:c.1132C>T (p.Arg378Cys) substitution is a missense variant in the PDHA1 gene. This variant is absent or extremely rare in population-based cohorts in the Genome Aggregation Database (gnomAD). In total, 30 individuals diagnosed with PDHA1-related pyruvate dehydrogenase complex (PDHc) deficiency (MIM #312170) harbor this variant, including 19 males and 8 females. Among these, 14 cases have confirmed de novo occurrence. The variant is reported in 22 published cases (PMIDs: 27629047, 8962591, 28639102, 28918066, 35027292, 24718837, 21914562, 21908116, 20002461, 16713755, 10679936, 33092611, 36675121, Kim et al., Neurology Asia, 2014), with an additional 8 unpublished cases from internal data. The last literature search is conducted on July 12, 2024. Individuals present with clinical features consistent with PDHA1-related PDHc deficiency. Based on the ACMG/AMP criteria applied (PS2, PS4, PM1, PM2, PM7, PP3), this variant is classified as pathogenic (P) (last assessment October 15, 2024).

Literature cited by the submitters: PubMed 8962591 (cited by 4 submitters); PubMed 1909401 (cited by 3billion); PubMed 21914562 (cited by 3billion and PDHA1 Study Group, University Children’s Hospital, Paracelsus Medical University); PubMed 20002125 (cited by Labcorp Genetics (formerly Invitae), Labcorp); PubMed 20002461 (cited by Labcorp Genetics (formerly Invitae), Labcorp and PDHA1 Study Group, University Children’s Hospital, Paracelsus Medical University); PubMed 24718837 (cited by Labcorp Genetics (formerly Invitae), Labcorp and PDHA1 Study Group, University Children’s Hospital, Paracelsus Medical University); PubMed 28639102 (cited by Labcorp Genetics (formerly Invitae), Labcorp and PDHA1 Study Group, University Children’s Hospital, Paracelsus Medical University); PubMed 27629047 (cited by PDHA1 Study Group, University Children’s Hospital, Paracelsus Medical University); PubMed 28918066 (cited by PDHA1 Study Group, University Children’s Hospital, Paracelsus Medical University); PubMed 35027292 (cited by PDHA1 Study Group, University Children’s Hospital, Paracelsus Medical University); PubMed 21908116 (cited by PDHA1 Study Group, University Children’s Hospital, Paracelsus Medical University); PubMed 16713755 (cited by PDHA1 Study Group, University Children’s Hospital, Paracelsus Medical University); PubMed 10679936 (cited by PDHA1 Study Group, University Children’s Hospital, Paracelsus Medical University); PubMed 33092611 (cited by PDHA1 Study Group, University Children’s Hospital, Paracelsus Medical University); PubMed 36675121 (cited by PDHA1 Study Group, University Children’s Hospital, Paracelsus Medical University); DOI 10.1093/brain/awaf430 (cited by PDHA1 Study Group, University Children’s Hospital, Paracelsus Medical University).